The following is an entry in ClinVar:

NM_000287.4(PEX6):c.2195G>T (p.Ser732Ile)

Gene: PEX6 (peroxisomal biogenesis factor 6; minus strand). Cytogenetic location: 6p21.1.
Variant type: single nucleotide variant.
Coding change: c.2195G>T on transcript NM_000287.4 (MANE Select); coding-DNA position 2195, G replaced by T.
Protein change: p.Ser732Ile; replaces serine 732 with isoleucine.
Molecular consequence: missense variant.
Genome position (GRCh38, 1-based): chr6:42,966,347, C>A on the plus strand (G>T on the coding strand, the complement: PEX6 is on the minus strand). VCF-style: chr6-42966347-C-A. GRCh37 (hg19) VCF-style: chr6-42934085-C-A.
Other names: c.1931G>T, p.Ser644Ile (NM_001316313.2); short protein forms S732I, S644I.
Identifiers: ClinVar variation 2057690 (VCV002057690.4), dbSNP rs756045168, ClinGen allele CA3811103.

ClinVar aggregate classification (germline): Uncertain significance (1 of 4 stars; one submission).

Conditions:
Peroxisome biogenesis disorder. Identifiers: Orphanet 79189, MedGen C1832200, MONDO:0019234. Disease mechanism: loss of function.

Allele frequency attached by ClinVar (database versions not stated): TOPMed below 0.00001; ExAC 0.00001; gnomAD 0.00001.

Submission:

Labcorp Genetics (formerly Invitae), Labcorp
Classification: Uncertain significance for Peroxisome biogenesis disorder. Last evaluated: 2022-08-16. Review status: criteria provided, single submitter. Criteria: Invitae Variant Classification Sherloc (09022015). Collection method: clinical testing. Allele origin: germline.
Comment: In summary, the available evidence is currently insufficient to determine the role of this variant in disease. Therefore, it has been classified as a Variant of Uncertain Significance. Algorithms developed to predict the effect of missense changes on protein structure and function are either unavailable or do not agree on the potential impact of this missense change (SIFT: "Deleterious"; PolyPhen-2: "Benign"; Align-GVGD: "Class C0"). This variant has not been reported in the literature in individuals affected with PEX6-related conditions. This variant is present in population databases (rs756045168, gnomAD 0.007%). This sequence change replaces serine, which is neutral and polar, with isoleucine, which is neutral and non-polar, at codon 732 of the PEX6 protein (p.Ser732Ile).